The following is an entry in ClinVar:

NM_003922.4(HERC1):c.6819G>C (p.Lys2273Asn)

Gene: HERC1 (HECT and RLD domain containing E3 ubiquitin protein ligase family member 1; minus strand). Cytogenetic location: 15q22.31.
Variant type: single nucleotide variant.
Coding change: c.6819G>C on transcript NM_003922.4 (MANE Select); coding-DNA position 6819, G replaced by C.
Protein change: p.Lys2273Asn; replaces lysine 2273 with asparagine.
Molecular consequence: missense variant.
Genome position (GRCh38, 1-based): chr15:63,678,096, C>G on the plus strand (G>C on the coding strand, the complement: HERC1 is on the minus strand). VCF-style: chr15-63678096-C-G. GRCh37 (hg19) VCF-style: chr15-63970295-C-G.
Other names: short protein forms K2273N.
Identifiers: ClinVar variation 2127046 (VCV002127046.4), dbSNP rs757341155, ClinGen allele CA392738709.

ClinVar aggregate classification (germline): Uncertain significance (1 of 4 stars; one submission).

Submission:

Labcorp Genetics (formerly Invitae), Labcorp
Classification: Uncertain significance. Last evaluated: 2022-09-13. Review status: criteria provided, single submitter. Criteria: Invitae Variant Classification Sherloc (09022015). Collection method: clinical testing. Allele origin: germline.
Comment: This variant has not been reported in the literature in individuals affected with HERC1-related conditions. This variant is not present in population databases (gnomAD no frequency). This sequence change replaces lysine, which is basic and polar, with asparagine, which is neutral and polar, at codon 2273 of the HERC1 protein (p.Lys2273Asn). Advanced modeling of protein sequence and biophysical properties (such as structural, functional, and spatial information, amino acid conservation, physicochemical variation, residue mobility, and thermodynamic stability) performed at Invitae indicates that this missense variant is not expected to disrupt HERC1 protein function. In summary, the available evidence is currently insufficient to determine the role of this variant in disease. Therefore, it has been classified as a Variant of Uncertain Significance.